The following is an entry in ClinVar:

NR_002717.3(ATXN8OS):n.805G>A

Gene: ATXN8OS (ATXN8 opposite strand lncRNA; plus strand). Cytogenetic location: 13q21.33.
Variant type: single nucleotide variant.
Molecular consequence: non-coding transcript variant (on NR_002717.3).
Genome position: GRCh38 VCF-style: chr13-70139294-G-A. GRCh37 (hg19) VCF-style: chr13-70713426-G-A.
Identifiers: ClinVar variation 3038111 (VCV003038111.2), dbSNP rs17751306, ClinGen allele CA252266777.
Genomic context (GRCh38, chr13:70,139,294, plus strand): 5'-CATTCAGATTGCCTTTTCTGACTCCCAGCTTCCACGGAGAGATTAACTCTGTTGGCTGAA[G>A]CCCTATTCCCAATTCCTTGGCTAGACCCTGGGTCCTTCATGTTAGAAAACCTGGCTTTAC-3'

ClinVar aggregate classification (germline): Likely benign (0 of 4 stars; one submission).

Conditions:
ATXN8OS-related disorder. Also called: ATXN8OS-related condition.

Allele frequency attached by ClinVar (database versions not stated): 1000 Genomes Project 0.00958; gnomAD 0.01734.
gnomAD v4.1: 9,161 of 528,636 alleles (1.7%); highest among the groups gnomAD compares: Non-Finnish European, 2.2%; 120 homozygotes.

Submission:

PreventionGenetics, part of Exact Sciences
Classification: Likely benign for ATXN8OS-related condition. Last evaluated: 2023-04-20. Review status: no assertion criteria provided. Collection method: clinical testing. Allele origin: germline.
Comment: This variant is classified as likely benign based on ACMG/AMP sequence variant interpretation guidelines (Richards et al. 2015 PMID: 25741868, with internal and published modifications).